The following is an entry in ClinVar:

ClinVar aggregate classification (germline): Likely pathogenic (1 of 4 stars; one submission).

Conditions:
Immunodeficiency, common variable, 2 (CVID2). Also called: ANTIBODY DEFICIENCY DUE TO TACI DEFECT; HYPOGAMMAGLOBULINEMIA DUE TO TACI DEFICIENCY. Identifiers: Orphanet 1572, MedGen C3150354, MONDO:0009413, OMIM 240500.
Immunoglobulin A deficiency 2 (IGAD2). Identifiers: MedGen C1836032, MONDO:0012291, OMIM 609529.

Submission:

Juno Genomics, Hangzhou Juno Genomics, Inc
Classification: Likely pathogenic for Immunodeficiency, common variable, 2; Immunoglobulin A deficiency 2. Review status: criteria provided, single submitter. Criteria: ACMG Guidelines, 2015. Collection method: clinical testing. Allele origin: germline.
Comment: Null variant in a gene where loss of function (LOF) is a known mechanism of disease.;Absent from controls (or at extremely low frequency if recessive) in Genome Aggregation Database.

NM_012452.3(TNFRSF13B):c.283C>T (p.Gln95Ter)

Gene: TNFRSF13B (TNF receptor superfamily member 13B; minus strand). Cytogenetic location: 17p11.2.
Variant type: single nucleotide variant.
Coding change: c.283C>T on transcript NM_012452.3 (MANE Select); coding-DNA position 283, C replaced by T.
Protein change: p.Gln95Ter; replaces glutamine 95 with a stop codon.
Molecular consequence: nonsense.
Genome position (GRCh38, 1-based): chr17:16,948,900, G>A on the plus strand (C>T on the coding strand, the complement: TNFRSF13B is on the minus strand). VCF-style: chr17-16948900-G-A. GRCh37 (hg19) VCF-style: chr17-16852214-G-A.
Other names: short protein forms Q95*.
Identifiers: ClinVar variation 5005700 (VCV005005700.2).